The following is an entry in ClinVar:

NM_198334.3(GANAB):c.143A>G (p.Lys48Arg)

Gene: GANAB (glucosidase II alpha subunit; minus strand). Cytogenetic location: 11q12.3.
Variant type: single nucleotide variant.
Coding change: c.143A>G on transcript NM_198334.3 (MANE Select); coding-DNA position 143, A replaced by G.
Protein change: p.Lys48Arg; replaces lysine 48 with arginine.
Molecular consequence: missense variant. On other transcripts: 5 prime UTR variant (4), intron variant (3).
Genome position (GRCh38, 1-based): chr11:62,639,627, T>C on the plus strand (A>G on the coding strand, the complement: GANAB is on the minus strand). VCF-style: chr11-62639627-T-C. GRCh37 (hg19) VCF-style: chr11-62407099-T-C.
Other names: c.-40A>G (NM_001278194.2); c.-149A>G (NM_001329222.2); c.-634A>G (NM_001329224.2, NM_001329225.2); c.143A>G, p.Lys48Arg (NM_198335.4); c.39-4627A>G (NM_001278193.2, NM_001278192.2); c.-149+4A>G (NM_001329223.2); c.143A>G (NM_198335.3); short protein forms K48R.
Identifiers: ClinVar variation 3599907 (VCV003599907.2).
Genomic context (GRCh38, chr11:62,639,627, plus strand): 5'-ATATCTCCCACATTACCCTACAACCCTACATTCCATCCCTCTCCCCCAGAAATATCATAC[T>C]TGCAGAAAGAACTCTCTTCACAGGTCTTAAAGTTGCTTCTATCCACAGCAAGGGTAATCC-3'
Protein context (NP_938148.1, residues 38-58): FKTCEESSFC[Lys48Arg]RQRSIRPGLS

ClinVar aggregate classification (germline): Uncertain significance. Review status: criteria provided, multiple submitters, no conflicts (2 of 4 stars). 2 submissions from 2 submitters: Uncertain significance (2). Last evaluated 2025-04-28.

Conditions:
Polycystic kidney disease 3 with or without polycystic liver disease. Also called: Polycystic kidney disease 3; POLYCYSTIC KIDNEY DISEASE, ADULT, TYPE III; Polycystic Kidney and/or Polycystic Liver Disease 3. Identifiers: MedGen C3887964, MONDO:0010916, OMIM 600666.
GANAB-related disorder. Also called: GANAB-related condition.

gnomAD v4.1: 3 of 1,600,936 alleles (0.00019%); highest among the groups gnomAD compares: Admixed American, 0.005%; no homozygotes.

Submissions (2):

PreventionGenetics, part of Exact Sciences
Classification: Uncertain significance for GANAB-related condition. Last evaluated: 2025-04-28. Review status: criteria provided, single submitter. Criteria: ACMG Guidelines, 2015. Collection method: clinical testing. Allele origin: germline.
Comment: The GANAB c.143A>G variant is predicted to result in the amino acid substitution p.Lys48Arg. To our knowledge, this variant has not been reported in the literature. This variant is reported in 0.0087% of alleles in individuals of Latino descent in gnomAD. At this time, the clinical significance of this variant is uncertain due to the absence of conclusive functional and genetic evidence.

Fulgent Genetics
Classification: Uncertain significance for Polycystic kidney disease 3 with or without polycystic liver disease. Last evaluated: 2024-01-10. Review status: criteria provided, single submitter. Criteria: ACMG Guidelines, 2015. Collection method: clinical testing. Allele origin: germline.